The following is an entry in ClinVar:

NM_144596.4(TTC8):c.445C>T (p.Arg149Cys)

Gene: TTC8 (tetratricopeptide repeat domain 8; plus strand). Cytogenetic location: 14q31.3.
Variant type: single nucleotide variant.
Coding change: c.445C>T on transcript NM_144596.4 (MANE Select); coding-DNA position 445, C replaced by T.
Protein change: p.Arg149Cys; replaces arginine 149 with cysteine.
Molecular consequence: missense variant. On other transcripts: 5 prime UTR variant (2), non-coding transcript variant (1).
Genome position (GRCh38, 1-based): chr14:88,841,152, C>T. VCF-style: chr14-88841152-C-T. GRCh37 (hg19) VCF-style: chr14-89307496-C-T.
Other names: c.415C>T, p.Arg139Cys (NM_001288781.1, NM_001366535.2, NM_001366536.2 and 2 more transcripts); c.-148C>T (NM_001288782.1); c.-243C>T (NM_001288783.1); c.445C>T (NM_144596.3); short protein forms R139C, R149C.
Identifiers: ClinVar variation 212458 (VCV000212458.15), dbSNP rs781214218, ClinGen allele CA206698.

ClinVar aggregate classification (germline): Uncertain significance. Review status: criteria provided, multiple submitters, no conflicts (2 of 4 stars). 4 submissions from 4 submitters: Uncertain significance (3). 1 of the submissions does not count toward it. Last evaluated 2024-06-04.

Conditions:
Retinitis pigmentosa 51 (RP51). Identifiers: Orphanet 791, MedGen C3150715, MONDO:0013274, OMIM 613464.
Bardet-Biedl syndrome 8 (BBS8). Identifiers: Orphanet 110, MedGen C1859566, MONDO:0014436, OMIM 615985.
Bardet-Biedl syndrome (BBS). Identifiers: Orphanet 110, MedGen C0752166, MONDO:0015229.
TTC8-related disorder. Also called: TTC8-related condition.

Allele frequency attached by ClinVar (database versions not stated): gnomAD exomes 0.00001 and 0.00002; TOPMed 0.00001; ExAC 0.00002; gnomAD 0.00002.
gnomAD v4.1: 16 of 1,613,964 alleles (0.00099%); highest among the groups gnomAD compares: Middle Eastern, 0.016%; no homozygotes.

Submissions (4):

Fulgent Genetics
Classification: Uncertain significance for Retinitis pigmentosa 51; Bardet-Biedl syndrome 8. Last evaluated: 2024-06-04. Review status: criteria provided, single submitter. Criteria: ACMG Guidelines, 2015. Collection method: clinical testing. Allele origin: germline.

Labcorp Genetics (formerly Invitae), Labcorp
Classification: Uncertain significance for Bardet-Biedl syndrome. Last evaluated: 2022-11-15. Review status: criteria provided, single submitter. Criteria: Invitae Variant Classification Sherloc (09022015). Collection method: clinical testing. Allele origin: germline.
Comment: Advanced modeling of protein sequence and biophysical properties (such as structural, functional, and spatial information, amino acid conservation, physicochemical variation, residue mobility, and thermodynamic stability) performed at Invitae indicates that this missense variant is expected to disrupt TTC8 protein function. ClinVar contains an entry for this variant (Variation ID: 212458). This variant has not been reported in the literature in individuals affected with TTC8-related conditions. This variant is present in population databases (rs781214218, gnomAD 0.01%). This sequence change replaces arginine, which is basic and polar, with cysteine, which is neutral and slightly polar, at codon 139 of the TTC8 protein (p.Arg139Cys). In summary, the available evidence is currently insufficient to determine the role of this variant in disease. Therefore, it has been classified as a Variant of Uncertain Significance.

Genetic Services Laboratory, University of Chicago
Classification: Uncertain significance. Last evaluated: 2015-04-10. Review status: criteria provided, single submitter. Criteria: ACMG Guidelines, 2015. Collection method: clinical testing. Allele origin: germline.

PreventionGenetics, part of Exact Sciences
Classification: Uncertain significance for TTC8-related condition. Last evaluated: 2024-02-08. Review status: no assertion criteria provided. Collection method: clinical testing. Allele origin: germline. Not counted in ClinVar's aggregate classification.
Comment: The TTC8 c.445C>T variant is predicted to result in the amino acid substitution p.Arg149Cys. To our knowledge, this variant has not been reported in the literature. This variant is reported in 0.011% of alleles in individuals of Latino descent in gnomAD. At this time, the clinical significance of this variant is uncertain due to the absence of conclusive functional and genetic evidence.